The following is an entry in ClinVar:

ClinVar aggregate classification (germline): Uncertain significance (1 of 4 stars; one submission).

gnomAD v4.1: 8 of 1,611,938 alleles (0.0005%); highest among the groups gnomAD compares: Admixed American, 0.013%; no homozygotes.

Submission:

Labcorp Genetics (formerly Invitae), Labcorp
Classification: Uncertain significance. Last evaluated: 2025-05-18. Review status: criteria provided, single submitter. Criteria: Invitae Variant Classification Sherloc (09022015). Collection method: clinical testing. Allele origin: germline.
Comment: This sequence change replaces phenylalanine, which is neutral and non-polar, with serine, which is neutral and polar, at codon 349 of the SLC46A1 protein (p.Phe349Ser). This variant is present in population databases (no rsID available, gnomAD 0.01%). This variant has not been reported in the literature in individuals affected with SLC46A1-related conditions. Invitae Evidence Modeling of protein sequence and biophysical properties (such as structural, functional, and spatial information, amino acid conservation, physicochemical variation, residue mobility, and thermodynamic stability) indicates that this missense variant is not expected to disrupt SLC46A1 protein function with a negative predictive value of 80%. In summary, the available evidence is currently insufficient to determine the role of this variant in disease. Therefore, it has been classified as a Variant of Uncertain Significance.

NM_080669.6(SLC46A1):c.1046T>C (p.Phe349Ser)

Gene: SLC46A1 (solute carrier family 46 member 1; minus strand). Cytogenetic location: 17q11.2.
Variant type: single nucleotide variant.
Coding change: c.1046T>C on transcript NM_080669.6 (MANE Select); coding-DNA position 1046, T replaced by C.
Protein change: p.Phe349Ser; replaces phenylalanine 349 with serine.
Molecular consequence: missense variant.
Genome position (GRCh38, 1-based): chr17:28,404,651, A>G on the plus strand (T>C on the coding strand, the complement: SLC46A1 is on the minus strand). VCF-style: chr17-28404651-A-G. GRCh37 (hg19) VCF-style: chr17-26731669-A-G.
Other names: c.1046T>C, p.Phe349Ser (NM_001242366.3); short protein forms F349S.
Identifiers: ClinVar variation 4770805 (VCV004770805.1).